The following is an entry in ClinVar:

NM_006118.4(HAX1):c.256C>G (p.Arg86Gly)

Gene: HAX1 (HCLS1 associated protein X-1; plus strand). Cytogenetic location: 1q21.3.
Variant type: single nucleotide variant.
Coding change: c.256C>G on transcript NM_006118.4 (MANE Select); coding-DNA position 256, C replaced by G.
Protein change: p.Arg86Gly; replaces arginine 86 with glycine.
Molecular consequence: missense variant.
Genome position (GRCh38, 1-based): chr1:154,273,538, C>G. VCF-style: chr1-154273538-C-G. GRCh37 (hg19) VCF-style: chr1-154246014-C-G.
Other names: c.112C>G, p.Arg38Gly (NM_001018837.2); short protein forms R86G, R38G.
Identifiers: ClinVar variation 1900603 (VCV001900603.5), dbSNP rs121908165, ClinGen allele CA342591629.

ClinVar aggregate classification (germline): Uncertain significance. Review status: criteria provided, multiple submitters, no conflicts (2 of 4 stars). 2 submissions from 2 submitters: Uncertain significance (2). Last evaluated 2025-04-13.

Conditions:
Inborn genetic diseases. Identifiers: MedGen C0950123, MeSH D030342.
Kostmann syndrome (SCN3). Also called: Autosomal recessive severe congenital neutropenia type 3; KOSTMANN DISEASE. Identifiers: Orphanet 99749, MedGen C5235141, MONDO:0012548, OMIM 610738.

Allele frequency attached by ClinVar (database versions not stated): gnomAD 0.00001.

Submissions (2):

Ambry Genetics
Classification: Uncertain significance for Inborn genetic diseases. Last evaluated: 2025-04-13. Review status: criteria provided, single submitter. Criteria: Ambry Variant Classification Scheme 2023. Collection method: clinical testing. Allele origin: germline.
Comment: The p.R86G variant (also known as c.256C>G), located in coding exon 2 of the HAX1 gene, results from a C to G substitution at nucleotide position 256. The arginine at codon 86 is replaced by glycine, an amino acid with dissimilar properties. This amino acid position is conserved. In addition, the in silico prediction for this alteration is inconclusive. Based on the available evidence, the clinical significance of this variant remains unclear.

Labcorp Genetics (formerly Invitae), Labcorp
Classification: Uncertain significance for Kostmann syndrome. Last evaluated: 2024-06-20. Review status: criteria provided, single submitter. Criteria: Invitae Variant Classification Sherloc (09022015). Collection method: clinical testing. Allele origin: germline.
Comment: This sequence change replaces arginine, which is basic and polar, with glycine, which is neutral and non-polar, at codon 86 of the HAX1 protein (p.Arg86Gly). This variant is present in population databases (no rsID available, gnomAD 0.01%). This variant has not been reported in the literature in individuals affected with HAX1-related conditions. ClinVar contains an entry for this variant (Variation ID: 1900603). Advanced modeling of protein sequence and biophysical properties (such as structural, functional, and spatial information, amino acid conservation, physicochemical variation, residue mobility, and thermodynamic stability) performed at Invitae indicates that this missense variant is not expected to disrupt HAX1 protein function with a negative predictive value of 80%. In summary, the available evidence is currently insufficient to determine the role of this variant in disease. Therefore, it has been classified as a Variant of Uncertain Significance.